The following is an entry in ClinVar:

ClinVar aggregate classification (germline): Uncertain significance (1 of 4 stars; one submission).

Conditions:
Breast-ovarian cancer, familial, susceptibility to, 4. Identifiers: Orphanet 145, MedGen C3280345, MONDO:0013669, OMIM 614291.

Submission:

Labcorp Genetics (formerly Invitae), Labcorp
Classification: Uncertain significance for Breast-ovarian cancer, familial, susceptibility to, 4. Last evaluated: 2024-07-30. Review status: criteria provided, single submitter. Criteria: Invitae Variant Classification Sherloc (09022015). Collection method: clinical testing. Allele origin: germline.
Comment: This sequence change creates a premature translational stop signal (p.Val309*) in the RAD51D gene. While this is not anticipated to result in nonsense mediated decay, it is expected to disrupt the last 20 amino acid(s) of the RAD51D protein. This variant is not present in population databases (gnomAD no frequency). This variant has not been reported in the literature in individuals affected with RAD51D-related conditions. In summary, the available evidence is currently insufficient to determine the role of this variant in disease. Therefore, it has been classified as a Variant of Uncertain Significance.

NM_002878.4(RAD51D):c.925del (p.Met308_Val309insTer)

Genes: RAD51D (RAD51 paralog D; minus strand), RAD51L3-RFFL (RAD51L3-RFFL readthrough; minus strand). Cytogenetic location: 17q12.
Variant type: Deletion.
Coding change: c.925del on transcript NM_002878.4 (MANE Select); coding-DNA position 925, one base deleted (G; older notation c.925delG).
Protein change: p.Met308_Val309insTer.
Molecular consequence: nonsense. On other transcripts: non-coding transcript variant (2).
Genome position (GRCh38, 1-based): chr17:35,101,015, C deleted on the plus strand (G on the coding strand, the reverse complement: RAD51D is on the minus strand); the first of 2 consecutive C bases (chr17:35,101,015-35,101,016); deleting either gives the same sequence. VCF-style (leftmost placement, unchanged base first): chr17-35101014-AC-A. GRCh37 (hg19) VCF-style: chr17-33428033-AC-A.
Other names: c.985del, p.Met328_Val329insTer (NM_001142571.2); c.589del, p.Met196_Val197insTer (NM_133629.3).
Identifiers: ClinVar variation 3683066 (VCV003683066.2).